The following is an entry in ClinVar:

NC_000012.12:g.121641489T>A

Gene: ORAI1 (ORAI calcium release-activated calcium modulator 1; plus strand). Cytogenetic location: 12q24.31.
Variant type: single nucleotide variant.
Molecular consequence: non-coding transcript variant (on NR_186857.1).
Genome position: GRCh38 VCF-style: chr12-121641489-T-A. GRCh37 (hg19) VCF-style: chr12-122079395-T-A.
Identifiers: ClinVar variation 4785540 (VCV004785540.1).

ClinVar aggregate classification (germline): Uncertain significance (1 of 4 stars; one submission).

Conditions:
Combined immunodeficiency due to ORAI1 deficiency. Also called: IMMUNODEFICIENCY 9. Identifiers: Orphanet 169090, Orphanet 317428, MedGen C2748568, MONDO:0013007, OMIM 612782.
Myopathy, tubular aggregate, 2 (TAM2). Identifiers: MedGen C4014557, MONDO:0014383, OMIM 615883.

Submission:

Labcorp Genetics (formerly Invitae), Labcorp
Classification: Uncertain significance for Myopathy, tubular aggregate, 2; Combined immunodeficiency due to ORAI1 deficiency. Last evaluated: 2025-07-17. Review status: criteria provided, single submitter. Criteria: Invitae Variant Classification Sherloc (09022015). Collection method: clinical testing. Allele origin: germline.
Comment: This sequence change replaces isoleucine, which is neutral and non-polar, with asparagine, which is neutral and polar, at codon 251 of the ORAI1 protein (p.Ile251Asn). This variant is not present in population databases (gnomAD no frequency). This variant has not been reported in the literature in individuals affected with ORAI1-related conditions. Experimental studies and prediction algorithms are not available or were not evaluated, and the functional significance of this variant is currently unknown. In summary, the available evidence is currently insufficient to determine the role of this variant in disease. Therefore, it has been classified as a Variant of Uncertain Significance.